The following is an entry in ClinVar:

NM_032119.4(ADGRV1):c.13964C>T (p.Ser4655Leu)

Gene: ADGRV1 (adhesion G protein-coupled receptor V1; plus strand). Cytogenetic location: 5q14.3.
Variant type: single nucleotide variant.
Coding change: c.13964C>T on transcript NM_032119.4 (MANE Select); coding-DNA position 13964, C replaced by T.
Protein change: p.Ser4655Leu; replaces serine 4655 with leucine.
Molecular consequence: missense variant. On other transcripts: non-coding transcript variant (1).
Genome position (GRCh38, 1-based): chr5:90,789,772, C>T. VCF-style: chr5-90789772-C-T. GRCh37 (hg19) VCF-style: chr5-90085589-C-T.
Other names: short protein forms S4655L.
Identifiers: ClinVar variation 2655589 (VCV002655589.24), dbSNP rs944373906, ClinGen allele CA122810860.
Genomic context (GRCh38, chr5:90,789,772, plus strand): 5'-TTGGTGACCCAAATGGAGTTGTTCAGTTTGCTCCTGAAACTTTGTCTAAGAAGACTTATT[C>T]AGAGCCTCTGGCTCTGGAAGGGCCCCTGCTCATTACCTTCTTTGTCAGAAGAGTCAAGGG-3'
Protein context (NP_115495.3, residues 4645-4665): APETLSKKTY[Ser4655Leu]EPLALEGPLL

ClinVar aggregate classification (germline): Uncertain significance. Review status: criteria provided, multiple submitters, no conflicts (2 of 4 stars). 2 submissions from 2 submitters: Uncertain significance (2). Last evaluated 2025-05-06.

Allele frequency attached by ClinVar (database versions not stated): gnomAD exomes below 0.00001; TOPMed 0.00001.
gnomAD v4.1: 3 of 1,554,872 alleles (0.00019%); highest among the groups gnomAD compares: Middle Eastern, 0.034%; no homozygotes.

Submissions (2):

Women's Health and Genetics/Laboratory Corporation of America, LabCorp
Classification: Uncertain significance. Last evaluated: 2025-05-06. Review status: criteria provided, single submitter. Criteria: LabCorp Variant Classification Summary - May 2015. Collection method: clinical testing. Allele origin: germline.
Comment: Variant summary: ADGRV1 c.13964C>T (p.Ser4655Leu) results in a non-conservative amino acid change in the encoded protein sequence. Algorithms developed to predict the effect of missense changes on protein structure and function are either unavailable or do not agree on the potential impact of this missense change. The frequency data for this variant in gnomAD is considered unreliable, as metrics indicate poor data quality at this position. To our knowledge, no occurrence of c.13964C>T in individuals affected with ADGRV1-Related Disorders and no experimental evidence demonstrating its impact on protein function have been reported. ClinVar contains an entry for this variant (Variation ID: 2655589). Based on the evidence outlined above, the variant was classified as uncertain significance.

CeGaT Center for Human Genetics Tuebingen
Classification: Uncertain significance. Last evaluated: 2023-03-01. Review status: criteria provided, single submitter. Criteria: CeGaT Center For Human Genetics Tuebingen Variant Classification Criteria Version 2. Collection method: clinical testing. Allele origin: germline. Affected: yes. Observed: 1 variant allele.
Comment: ADGRV1: PM2, BP4